The following is an entry in ClinVar:

NM_014003.4(DHX38):c.496C>T (p.Arg166Cys)

Gene: DHX38 (DEAH-box helicase 38; plus strand). Cytogenetic location: 16q22.2.
Variant type: single nucleotide variant.
Coding change: c.496C>T on transcript NM_014003.4 (MANE Select); coding-DNA position 496, C replaced by T.
Protein change: p.Arg166Cys; replaces arginine 166 with cysteine.
Molecular consequence: missense variant.
Genome position (GRCh38, 1-based): chr16:72,096,994, C>T. VCF-style: chr16-72096994-C-T. GRCh37 (hg19) VCF-style: chr16-72130893-C-T.
Other names: short protein forms R166C.
Identifiers: ClinVar variation 1934273 (VCV001934273.3), dbSNP rs752514487, ClinGen allele CA8159981.

ClinVar aggregate classification (germline): Uncertain significance. Review status: criteria provided, multiple submitters, no conflicts (2 of 4 stars). 2 submissions from 2 submitters: Uncertain significance (2). Last evaluated 2023-01-04.

Allele frequency attached by ClinVar (database versions not stated): gnomAD 0.00002; TOPMed 0.00006.

Submissions (2):

Blueprint Genetics
Classification: Uncertain significance. Last evaluated: 2023-01-04. Review status: criteria provided, single submitter. Criteria: ACMG Guidelines, 2015. Collection method: clinical testing. Allele origin: germline.

Labcorp Genetics (formerly Invitae), Labcorp
Classification: Uncertain significance. Last evaluated: 2022-03-09. Review status: criteria provided, single submitter. Criteria: Invitae Variant Classification Sherloc (09022015). Collection method: clinical testing. Allele origin: germline.
Comment: This sequence change replaces arginine, which is basic and polar, with cysteine, which is neutral and slightly polar, at codon 166 of the DHX38 protein (p.Arg166Cys). This variant is present in population databases (rs752514487, gnomAD 0.02%). This variant has not been reported in the literature in individuals affected with DHX38-related conditions. Algorithms developed to predict the effect of missense changes on protein structure and function are either unavailable or do not agree on the potential impact of this missense change (SIFT: "Deleterious"; PolyPhen-2: "Benign"; Align-GVGD: "Class C65"). In summary, the available evidence is currently insufficient to determine the role of this variant in disease. Therefore, it has been classified as a Variant of Uncertain Significance.